The following is an entry in ClinVar:

NM_018076.5(ODAD2):c.2058T>C (p.Asn686=)

Gene: ODAD2 (outer dynein arm docking complex subunit 2; minus strand). Cytogenetic location: 10p12.1.
Variant type: single nucleotide variant.
Coding change: c.2058T>C on transcript NM_018076.5 (MANE Select); coding-DNA position 2058, T replaced by C.
Protein change: p.Asn686=; no amino-acid change (asparagine 686 retained).
Molecular consequence: synonymous variant.
Genome position (GRCh38, 1-based): chr10:27,939,936, A>G on the plus strand (T>C on the coding strand, the complement: ODAD2 is on the minus strand). VCF-style: chr10-27939936-A-G. GRCh37 (hg19) VCF-style: chr10-28228865-A-G.
Other names: p.Asn686=; c.2058T>C (NM_018076.3); c.2058T>C, p.Asn686= (NM_001290020.2); c.633T>C, p.Asn211= (NM_001290021.2); c.1134T>C, p.Asn378= (NM_001312689.2).
Identifiers: ClinVar variation 260994 (VCV000260994.24), dbSNP rs7893462, ClinGen allele CA5453321.

ClinVar aggregate classification (germline): Benign. Review status: criteria provided, multiple submitters, no conflicts (2 of 4 stars). 9 submissions from 9 submitters: Benign (9). Last evaluated 2026-02-04.

Conditions:
Primary ciliary dyskinesia 23 (CILD23). Also called: CILIARY DYSKINESIA, PRIMARY, 23, WITH OR WITHOUT SITUS INVERSUS. Identifiers: Orphanet 244, MedGen C3809548, MONDO:0014193, OMIM 615451.
Primary ciliary dyskinesia. Also called: Ciliary dyskinesia. Identifiers: Orphanet 244, MedGen C0008780, MONDO:0016575, HP:0012265.

Allele frequency attached by ClinVar (database versions not stated): ESP Exome Variant Server 0.50807; gnomAD 0.51292 and 0.51618; TOPMed 0.51450; 1000 Genomes Project 30x 0.52904; gnomAD exomes 0.53171 and 0.53532; 1000 Genomes Project 0.53315; ExAC 0.53635.
gnomAD v4.1: 853,314 of 1,608,196 alleles (53%); highest among the groups gnomAD compares: Middle Eastern, 65%; 227,820 homozygotes.

Submissions (9):

Labcorp Genetics (formerly Invitae), Labcorp
Classification: Benign for Primary ciliary dyskinesia 23. Last evaluated: 2026-02-04. Review status: criteria provided, single submitter. Criteria: Invitae Variant Classification Sherloc (09022015). Collection method: clinical testing. Allele origin: germline.

Blueprint Genetics
Classification: Benign. Last evaluated: 2024-11-27. Review status: criteria provided, single submitter. Criteria: ACMG Guidelines, 2015. Collection method: clinical testing. Allele origin: germline.

Mayo Clinic Laboratories, Mayo Clinic
Classification: Benign. Last evaluated: 2022-04-26. Review status: criteria provided, single submitter. Criteria: ACMG Guidelines, 2015. Collection method: clinical testing. Allele origin: germline. Observed: 158 variant alleles.

Genome-Nilou Lab
Classification: Benign for Primary ciliary dyskinesia 23. Last evaluated: 2021-07-14. Review status: criteria provided, single submitter. Criteria: ACMG Guidelines, 2015. Collection method: clinical testing. Allele origin: germline. Affected: no.

GeneDx
Classification: Benign. Last evaluated: 2018-11-10. Review status: criteria provided, single submitter. Criteria: GeneDx Variant Classification Process June 2021. Collection method: clinical testing. Allele origin: germline. Affected: yes.

Ambry Genetics
Classification: Benign for Primary ciliary dyskinesia. Last evaluated: 2016-07-07. Review status: criteria provided, single submitter. Criteria: Ambry Variant Classification Scheme 2023. Collection method: clinical testing. Allele origin: germline.

Laboratory for Molecular Medicine, Mass General Brigham Personalized Medicine
Classification: Benign. Last evaluated: 2016-03-29. Review status: criteria provided, single submitter. Criteria: LMM Criteria. Collection method: clinical testing. Allele origin: germline.
Comment: Variant identified in a genome or exome case(s) and assessed due to predicted null impact of the variant or pathogenic assertions in the literature or databases. Disclaimer: This variant has not undergone full assessment. The following are preliminary notes: Frequency

Breakthrough Genomics
Classification: Benign. Review status: criteria provided, single submitter. Criteria: ACMG Guidelines, 2015. Collection method: not provided. Allele origin: germline. Inheritance: Autosomal recessive inheritance. Affected: yes.

PreventionGenetics, part of Exact Sciences
Classification: Benign. Review status: criteria provided, single submitter. Criteria: ACMG Guidelines, 2015. Collection method: clinical testing. Allele origin: germline.